The following is an entry in ClinVar:

ClinVar aggregate classification (germline): Benign (1 of 4 stars; one submission).

Allele frequency attached by ClinVar (database versions not stated): gnomAD exomes 0.43427; gnomAD 0.51930 and 0.52158; TOPMed 0.53126; 1000 Genomes Project 0.60244; 1000 Genomes Project 30x 0.60290.
gnomAD v4.1: 714,099 of 1,609,644 alleles (44%); highest among the groups gnomAD compares: East Asian, 78%; 166,394 homozygotes.

Submission:

GeneDx
Classification: Benign. Last evaluated: 2018-06-14. Review status: criteria provided, single submitter. Criteria: GeneDx Variant Classification (06012015). Collection method: clinical testing. Allele origin: germline. Affected: yes.
Comment: This variant is considered likely benign or benign based on one or more of the following criteria: it is a conservative change, it occurs at a poorly conserved position in the protein, it is predicted to be benign by multiple in silico algorithms, and/or has population frequency not consistent with disease.

NM_182961.4(SYNE1):c.2251-58C>T

Gene: SYNE1 (spectrin repeat containing nuclear envelope protein 1; minus strand). Cytogenetic location: 6q25.2.
Variant type: single nucleotide variant.
Coding change: c.2251-58C>T on transcript NM_182961.4 (MANE Select); 58 bases into the intron before coding-DNA position 2251, C replaced by T.
Molecular consequence: intron variant.
Genome position (GRCh38, 1-based): chr6:152,461,798, G>A on the plus strand (C>T on the coding strand, the complement: SYNE1 is on the minus strand). VCF-style: chr6-152461798-G-A. GRCh37 (hg19) VCF-style: chr6-152782933-G-A.
Other names: c.2272-58C>T (NM_033071.5).
Identifiers: ClinVar variation 670606 (VCV000670606.1), dbSNP rs579464, ClinGen allele CA12345302.
Genomic context (GRCh38, chr6:152,461,798, plus strand): 5'-ATCCTGCATGAATCATTGAAACAGCCAGATTCATACATGACACATTTCCTCTTAACTTCC[G>A]GATTCCACAGAAGGCAGAACAAAAATCAATATGCACTGTATAAAATCCAATACTTACACT-3'